The following is an entry in ClinVar:

ClinVar aggregate classification (germline): Conflicting classifications of pathogenicity. Review status: criteria provided, conflicting classifications (1 of 4 stars). 2 submissions from 2 submitters: Uncertain significance (1); Likely benign (1). Last evaluated 2022-08-09.

Allele frequency attached by ClinVar (database versions not stated): gnomAD 0.00003 and 0.00004; TOPMed 0.00003; gnomAD exomes 0.00007 and 0.00015; ExAC 0.00023.
gnomAD v4.1: 114 of 1,606,808 alleles (0.0071%); highest among the groups gnomAD compares: Middle Eastern, 0.18%; no homozygotes.

Submissions (2):

Labcorp Genetics (formerly Invitae), Labcorp
Classification: Uncertain significance. Last evaluated: 2022-08-09. Review status: criteria provided, single submitter. Criteria: Invitae Variant Classification Sherloc (09022015). Collection method: clinical testing. Allele origin: germline.
Comment: This sequence change affects codon 138 of the MAP3K20 mRNA. It is a 'silent' change, meaning that it does not change the encoded amino acid sequence of the MAP3K20 protein. It affects a nucleotide within the consensus splice site. This variant is present in population databases (rs202049682, gnomAD 0.02%). This variant has not been reported in the literature in individuals affected with MAP3K20-related conditions. ClinVar contains an entry for this variant (Variation ID: 1354218). Experimental studies and prediction algorithms are not available or were not evaluated, and the effect of this variant on mRNA splicing is currently unknown. In summary, the available evidence is currently insufficient to determine the role of this variant in disease. Therefore, it has been classified as a Variant of Uncertain Significance.

CeGaT Center for Human Genetics Tuebingen
Classification: Likely benign. Last evaluated: 2022-04-01. Review status: criteria provided, single submitter. Criteria: CeGaT Center For Human Genetics Tuebingen Variant Classification Criteria Version 2. Collection method: clinical testing. Allele origin: germline. Affected: yes. Observed: 1 variant allele.
Comment: MAP3K20: BP4, BP7

NM_016653.3(MAP3K20):c.414C>T (p.Asn138=)

Gene: MAP3K20 (mitogen-activated protein kinase kinase kinase 20; plus strand). Cytogenetic location: 2q31.1.
Variant type: single nucleotide variant.
Coding change: c.414C>T on transcript NM_016653.3 (MANE Select); coding-DNA position 414, C replaced by T.
Protein change: p.Asn138=; no amino-acid change (asparagine 138 retained).
Molecular consequence: synonymous variant.
Genome position (GRCh38, 1-based): chr2:173,187,622, C>T. VCF-style: chr2-173187622-C-T. GRCh37 (hg19) VCF-style: chr2-174052350-C-T.
Other names: c.414C>T, p.Asn138= (NM_133646.3).
Identifiers: ClinVar variation 1354218 (VCV001354218.28), dbSNP rs202049682, ClinGen allele CA1970372.